The following is an entry in ClinVar:

ClinVar aggregate classification (germline): Likely benign (1 of 4 stars; one submission).

gnomAD v4.1: 7 of 1,614,016 alleles (0.00043%); highest among the groups gnomAD compares: African/African-American, 0.0013%; no homozygotes.

Submission:

Dasa
Classification: Likely benign. Last evaluated: 2026-02-16. Review status: criteria provided, single submitter. Criteria: DASA Assertion Criteria. Collection method: clinical testing. Allele origin: germline.
Comment: NM_203290.4(POLR1C):c.70-4C>G is a splice-region variant. The variant context is inconsistent with a known disease-causing mechanism. Computational prediction algorithms are consistent with a benign effect. Therefore, based on the currently available evidence, this variant is classified as likely benign.

NM_203290.4(POLR1C):c.70-4C>G

Gene: POLR1C (RNA polymerase I and III subunit C; plus strand). Cytogenetic location: 6p21.1.
Variant type: single nucleotide variant.
Coding change: c.70-4C>G on transcript NM_203290.4 (MANE Select); 4 bases into the intron before coding-DNA position 70, C replaced by G.
Molecular consequence: intron variant.
Genome position (GRCh38, 1-based): chr6:43,517,302, C>G. VCF-style: chr6-43517302-C-G. GRCh37 (hg19) VCF-style: chr6-43485040-C-G.
Other names: c.70-4C>G (NM_001363658.2, NM_001318876.2).
Identifiers: ClinVar variation 4884159 (VCV004884159.2).